The following is an entry in ClinVar:

NM_001184900.3(CARD8):c.383A>G (p.Gln128Arg)

Gene: CARD8 (caspase recruitment domain family member 8; minus strand). Cytogenetic location: 19q13.33.
Variant type: single nucleotide variant.
Coding change: c.383A>G on transcript NM_001184900.3 (MANE Select); coding-DNA position 383, A replaced by G.
Protein change: p.Gln128Arg; replaces glutamine 128 with arginine.
Molecular consequence: missense variant. On other transcripts: intron variant (6).
Genome position (GRCh38, 1-based): chr19:48,232,461, T>C on the plus strand (A>G on the coding strand, the complement: CARD8 is on the minus strand). VCF-style: chr19-48232461-T-C. GRCh37 (hg19) VCF-style: chr19-48735718-T-C.
Other names: c.383A>G (NM_001184900.1); c.233A>G, p.Gln78Arg (NM_001184901.1, NM_001351783.2, NM_001351788.2 and 2 more transcripts); c.383A>G, p.Gln128Arg (NM_001184902.2, NM_001184903.1, NM_001351782.2); c.47A>G, p.Gln16Arg (NM_001351786.2); c.77-651A>G (NM_001351787.2, NM_001351791.2, NM_001351792.2 and 2 more transcripts); c.149-651A>G (NM_001351790.2); short protein forms Q128R, Q78R, Q16R.
Identifiers: ClinVar variation 2956802 (VCV002956802.4), dbSNP rs895198200, ClinGen allele CA309291081.
Genomic context (GRCh38, chr19:48,232,461, plus strand): 5'-ACATTTCCATCAATCCACACGCCCTTCACTCCTCTCCCTATTAGCCCATTACCTGAATCT[T>C]GTCCCTCTGAAGATTCCTGCTCTTCTGATACACTGGAGGTTGGGATCCCCATGTTACAAA-3'
Protein context (NP_001171829.1, residues 118-138): VSEEQESSEG[Gln128Arg]DSGDICSEEN

ClinVar aggregate classification (germline): Uncertain significance. Review status: criteria provided, multiple submitters, no conflicts (2 of 4 stars). 2 submissions from 2 submitters: Uncertain significance (2). Last evaluated 2025-01-15.

Allele frequency attached by ClinVar (database versions not stated): gnomAD exomes below 0.00001; TOPMed 0.00002; gnomAD 0.00003.
gnomAD v4.1: 9 of 1,535,808 alleles (0.00059%); highest among the groups gnomAD compares: African/African-American, 0.0068%; no homozygotes.

Submissions (2):

Ambry Genetics
Classification: Uncertain significance. Last evaluated: 2025-01-15. Review status: criteria provided, single submitter. Criteria: Ambry Variant Classification Scheme 2023. Collection method: clinical testing. Allele origin: germline.

Labcorp Genetics (formerly Invitae), Labcorp
Classification: Uncertain significance. Last evaluated: 2023-12-25. Review status: criteria provided, single submitter. Criteria: Invitae Variant Classification Sherloc (09022015). Collection method: clinical testing. Allele origin: germline.
Comment: This sequence change replaces glutamine, which is neutral and polar, with arginine, which is basic and polar, at codon 78 of the CARD8 protein (p.Gln78Arg). This variant is present in population databases (no rsID available, gnomAD 0.01%). This variant has not been reported in the literature in individuals affected with CARD8-related conditions. An algorithm developed to predict the effect of missense changes on protein structure and function (PolyPhen-2) suggests that this variant is likely to be tolerated. In summary, the available evidence is currently insufficient to determine the role of this variant in disease. Therefore, it has been classified as a Variant of Uncertain Significance.